The following is an entry in ClinVar:

NM_024301.5(FKRP):c.1267del (p.Arg423fs)

Gene: FKRP (fukutin related protein; plus strand). Cytogenetic location: 19q13.32.
Variant type: Deletion.
Coding change: c.1267del on transcript NM_024301.5 (MANE Select); coding-DNA position 1267, one base deleted (C; older notation c.1267delC).
Protein change: p.Arg423fs; shifts the reading frame from arginine 423.
Molecular consequence: frameshift variant.
Genome position (GRCh38, 1-based): chr19:46,756,717, C deleted; the last of 5 consecutive C bases (chr19:46,756,713-46,756,717); deleting any one gives the same sequence. VCF-style (leftmost placement, unchanged base first): chr19-46756712-AC-A. GRCh37 (hg19) VCF-style: chr19-47259969-AC-A.
Other names: c.1267del, p.Arg423fs (NM_001039885.3); short protein forms R423fs.
Identifiers: ClinVar variation 289096 (VCV000289096.12), dbSNP rs886044083, ClinGen allele CA10606326.

ClinVar aggregate classification (germline): Pathogenic/Likely pathogenic. Review status: criteria provided, multiple submitters, no conflicts (2 of 4 stars). 4 submissions from 4 submitters: Pathogenic (3); Likely pathogenic (1). Last evaluated 2024-01-25.

Conditions:
Walker-Warburg congenital muscular dystrophy. Also called: Muscular dystrophy-dystroglycanopathy, type A; Walker-Warburg syndrome. Identifiers: Orphanet 899, MedGen C0265221, MONDO:0000171.
Autosomal recessive limb-girdle muscular dystrophy type 2I. Also called: MUSCULAR DYSTROPHY-DYSTROGLYCANOPATHY (LIMB-GIRDLE), TYPE C, 5; MUSCULAR DYSTROPHY, LIMB-GIRDLE, TYPE 2I; MUSCULAR DYSTROPHY-DYSTROGLYCANOPATHY, LIMB-GIRDLE, FRKP-RELATED. Identifiers: Orphanet 34515, MedGen C1846672, MONDO:0011787, OMIM 607155.
Muscular dystrophy-dystroglycanopathy (congenital with brain and eye anomalies), type A5. Also called: MUSCULAR DYSTROPHY-DYSTROGLYCANOPATHY (CONGENITAL WITH BRAIN AND EYE ANOMALIES), TYPE A, 5; WALKER-WARBURG SYNDROME OR MUSCLE-EYE-BRAIN DISEASE, FKRP-RELATED. Identifiers: Orphanet 588, Orphanet 899, MedGen C3150413, MONDO:0013157, OMIM 613153.

Submissions (4):

Baylor Genetics
Classification: Likely pathogenic for Muscular dystrophy-dystroglycanopathy (congenital with brain and eye anomalies), type A5. Last evaluated: 2024-01-25. Review status: criteria provided, single submitter. Criteria: ACMG Guidelines, 2015. Collection method: clinical testing. Allele origin: unknown.

Labcorp Genetics (formerly Invitae), Labcorp
Classification: Pathogenic for Walker-Warburg congenital muscular dystrophy. Last evaluated: 2023-04-22. Review status: criteria provided, single submitter. Criteria: Invitae Variant Classification Sherloc (09022015). Collection method: clinical testing. Allele origin: germline.
Comment: This sequence change creates a premature translational stop signal (p.Arg423Alafs*5) in the FKRP gene. While this is not anticipated to result in nonsense mediated decay, it is expected to disrupt the last 73 amino acid(s) of the FKRP protein. This variant is not present in population databases (gnomAD no frequency). This premature translational stop signal has been observed in individual(s) with clinical features of FKRP-related conditions (PMID: 30564623). ClinVar contains an entry for this variant (Variation ID: 289096). This variant disrupts a region of the FKRP protein in which other variant(s) (p.Ile478Thr) have been determined to be pathogenic (PMID: 16476814, 18639457, 19299310). This suggests that this is a clinically significant region of the protein, and that variants that disrupt it are likely to be disease-causing. For these reasons, this variant has been classified as Pathogenic.

Victorian Clinical Genetics Services, Murdoch Childrens Research Institute
Classification: Pathogenic for Autosomal recessive limb-girdle muscular dystrophy type 2I. Last evaluated: 2022-02-02. Review status: criteria provided, single submitter. Criteria: ACMG Guidelines, 2015. Collection method: clinical testing. Allele origin: germline. Inheritance: Autosomal recessive inheritance. Affected: yes.
Comment: Based on the classification scheme VCGS_Germline_v1.3.4, this variant is classified as Pathogenic. Following criteria are met: 0102 - Loss of function is a known mechanism of disease in this gene and is associated with muscular dystrophy-dystroglycanopathy; with congenital with brain and eye anomalies (MIM#613153), with or without intellectual disability type B (MIM#606612), limb-girdle type C (MIM#607155). (I) 0106 - This gene is associated with autosomal recessive disease. (I) 0205 - Variant is predicted to result in a truncated protein (premature termination codon is NOT located at least 54 nucleotides upstream of the final exon-exon junction) with less than 1/3 of the protein sequence affected. (SP) 0252 - This variant is homozygous. (I) 0301 - Variant is absent from gnomAD (both v2 and v3). (SP) 0604 - Variant is not located in an established domain, motif, hotspot or informative constraint region. (I) 0702 - Other downstream truncating variants comparable to the one identified in this case have strong previous evidence for pathogenicity. At least three others have been reported in ClinVar and one other in a patient with limb girdle muscular dystrophy (ClinVar; PMID: 16288869). (SP) 0803 - This variant has limited previous evidence of pathogenicity in an unrelated individual. It was found in a limb girdle muscular dystrophy patient compound heterozygous with a pathogenic missense variant (PMID: 30564623). (SP) 0905 - No published segregation evidence has been identified for this variant. (I) 1007 - No published functional evidence has been identified for this variant. (I) 1208 - Inheritance information for this variant is not currently available in this individual. (I) Legend: (SP) - Supporting pathogenic, (I) - Information, (SB) - Supporting benign

Eurofins Ntd Llc (ga)
Classification: Pathogenic. Last evaluated: 2016-07-08. Review status: criteria provided, single submitter. Criteria: EGL Classification Definitions 2015. Collection method: clinical testing. Allele origin: germline. Observed: 1 variant allele, 1 heterozygote.

Literature cited by the submitters: PubMed 30564623 (cited by Labcorp Genetics (formerly Invitae), Labcorp and Victorian Clinical Genetics Services, Murdoch Childrens Research Institute); PubMed 16476814 (cited by Labcorp Genetics (formerly Invitae), Labcorp); PubMed 18639457 (cited by Labcorp Genetics (formerly Invitae), Labcorp); PubMed 19299310 (cited by Labcorp Genetics (formerly Invitae), Labcorp); PubMed 16288869 (cited by Victorian Clinical Genetics Services, Murdoch Childrens Research Institute).